The following is an entry in ClinVar:

ClinVar aggregate classification (germline): other (0 of 4 stars; one submission).

Conditions:
Familial colorectal cancer. Identifiers: MedGen CN280943, MONDO:0023113. Disease mechanism: loss of function.

Submission:

Systems Biology Platform Zhejiang California International NanoSystems Institute
Classification: other for Familial colorectal cancer. Review status: no assertion criteria provided. Collection method: not provided. Allele origin: unknown.
ClinVar note: Converted during submission from cancer to other.

NM_000038.6(APC):c.136-5236T>G

Gene: APC (APC regulator of WNT signaling pathway; plus strand). Cytogenetic location: 5q22.2.
Variant type: single nucleotide variant.
Coding change: c.136-5236T>G on transcript NM_000038.6 (MANE Select); 5236 bases into the intron before coding-DNA position 136, T replaced by G.
Molecular consequence: intron variant.
Genome position (GRCh38, 1-based): chr5:112,761,090, T>G. VCF-style: chr5-112761090-T-G. GRCh37 (hg19) VCF-style: chr5-112096787-T-G.
Other names: c.136-5236T>G (NM_001354895.2, NM_001127510.3, NM_001354896.2 and 2 more transcripts); c.166-5236T>G (NM_001354897.2, NM_001354902.2, NM_001127511.3); c.61-5236T>G (NM_001354898.2, NM_001354904.2); c.-900-5236T>G (NM_001354906.2); c.-42-5236T>G (NM_001354900.2, NM_001354901.2, NM_001354905.2).
Identifiers: ClinVar variation 82838 (VCV000082838.2), dbSNP rs79527859, ClinGen allele CA004790.